The following is an entry in ClinVar:

NM_021098.3(CACNA1H):c.3973C>T (p.Arg1325Trp)

Gene: CACNA1H (calcium voltage-gated channel subunit alpha1 H; plus strand). Cytogenetic location: 16p13.3.
Variant type: single nucleotide variant.
Coding change: c.3973C>T on transcript NM_021098.3 (MANE Select); coding-DNA position 3973, C replaced by T.
Protein change: p.Arg1325Trp; replaces arginine 1325 with tryptophan.
Molecular consequence: missense variant.
Genome position (GRCh38, 1-based): chr16:1,210,586, C>T. VCF-style: chr16-1210586-C-T. GRCh37 (hg19) VCF-style: chr16-1260586-C-T.
Other names: c.3973C>T, p.Arg1325Trp (NM_001005407.2); short protein forms R1325W.
Identifiers: ClinVar variation 1470308 (VCV001470308.9), dbSNP rs777616508, ClinGen allele CA7801068.

ClinVar aggregate classification (germline): Uncertain significance. Review status: criteria provided, multiple submitters, no conflicts (2 of 4 stars). 2 submissions from 2 submitters: Uncertain significance (2). Last evaluated 2025-10-28.

Conditions:
Idiopathic generalized epilepsy. Also called: Generalised epilepsy; EIG. Identifiers: MedGen C0270850, MONDO:0005579, OMIM 600669.
Hyperaldosteronism, familial, type IV (HALD4). Also called: FH IV; ALDOSTERONISM, PRIMARY, AND HYPERTENSION. Identifiers: Orphanet 642671, MedGen C4310756, MONDO:0014875, OMIM 617027.

Allele frequency attached by ClinVar (database versions not stated): gnomAD exomes below 0.00001; TOPMed below 0.00001; ExAC 0.00001.
gnomAD v4.1: 5 of 1,609,028 alleles (0.00031%); highest among the groups gnomAD compares: Non-Finnish European, 0.00034%; no homozygotes.

Submissions (2):

Women's Health and Genetics/Laboratory Corporation of America, LabCorp
Classification: Uncertain significance. Last evaluated: 2025-10-28. Review status: criteria provided, single submitter. Criteria: LabCorp Variant Classification Summary - May 2015. Collection method: clinical testing. Allele origin: germline.
Comment: Variant summary: CACNA1H c.3973C>T (p.Arg1325Trp) results in a non-conservative amino acid change in the encoded protein sequence. Algorithms developed to predict the effect of missense changes on protein structure and function all suggest that this variant is likely to be disruptive. The variant allele was found at a frequency of 4.1e-06 in 244674 control chromosomes. The available data on variant occurrences in the general population are insufficient to allow any conclusion about variant significance. To our knowledge, no occurrence of c.3973C>T in individuals affected with CACNA1H-related conditions and no experimental evidence demonstrating its impact on protein function have been reported. ClinVar contains an entry for this variant (Variation ID: 1470308). Based on the evidence outlined above, the variant was classified as uncertain significance.

Labcorp Genetics (formerly Invitae), Labcorp
Classification: Uncertain significance for Idiopathic generalized epilepsy; Hyperaldosteronism, familial, type IV. Last evaluated: 2021-03-25. Review status: criteria provided, single submitter. Criteria: Invitae Variant Classification Sherloc (09022015). Collection method: clinical testing. Allele origin: germline.
Comment: In summary, the available evidence is currently insufficient to determine the role of this variant in disease. Therefore, it has been classified as a Variant of Uncertain Significance. Algorithms developed to predict the effect of missense changes on protein structure and function (SIFT, PolyPhen-2, Align-GVGD) all suggest that this variant is likely to be disruptive, but these predictions have not been confirmed by published functional studies and their clinical significance is uncertain. This variant has not been reported in the literature in individuals with CACNA1H-related conditions. This variant is present in population databases (rs777616508, ExAC 0.002%). This sequence change replaces arginine with tryptophan at codon 1325 of the CACNA1H protein (p.Arg1325Trp). The arginine residue is highly conserved and there is a moderate physicochemical difference between arginine and tryptophan.